The following is an entry in ClinVar:

NM_001378454.1(ALMS1):c.11429G>A (p.Ser3810Asn)

Gene: ALMS1 (ALMS1 centrosome and basal body associated protein; plus strand). Cytogenetic location: 2p13.1.
Variant type: single nucleotide variant.
Coding change: c.11429G>A on transcript NM_001378454.1 (MANE Select); coding-DNA position 11429, G replaced by A.
Protein change: p.Ser3810Asn; replaces serine 3810 with asparagine.
Molecular consequence: missense variant.
Genome position (GRCh38, 1-based): chr2:73,573,306, G>A. VCF-style: chr2-73573306-G-A. GRCh37 (hg19) VCF-style: chr2-73800433-G-A.
Other names: c.11432G>A, p.Ser3811Asn (NM_015120.4); short protein forms S3810N, S3811N.
Identifiers: ClinVar variation 2198861 (VCV002198861.2), dbSNP rs775453044, ClinGen allele CA1715193.
Genomic context (GRCh38, chr2:73,573,306, plus strand): 5'-TGATTCAAGCTTTTGGCCATGAAAGAGTATGCTTGTCACCCAGACGAATTAAATTATATA[G>A]CAGCATCACCAACCAACAGAGGAGATACCTTGAGAAGCGGAGCAAACACAGCAAGAAAGT-3'
Protein context (NP_001365383.1, residues 3800-3820): CLSPRRIKLY[Ser3810Asn]SITNQQRRYL

ClinVar aggregate classification (germline): Uncertain significance (1 of 4 stars; one submission).

Conditions:
Alstrom syndrome (ALMS). Identifiers: Orphanet 64, MedGen C0268425, MONDO:0008763, OMIM 203800.

Allele frequency attached by ClinVar (database versions not stated): TOPMed below 0.00001; gnomAD 0.00001; ExAC 0.00002.
gnomAD v4.1: 36 of 1,613,948 alleles (0.0022%); highest among the groups gnomAD compares: Non-Finnish European, 0.003%; no homozygotes.

Submission:

Labcorp Genetics (formerly Invitae), Labcorp
Classification: Uncertain significance for Alstrom syndrome. Last evaluated: 2025-01-26. Review status: criteria provided, single submitter. Criteria: Invitae Variant Classification Sherloc (09022015). Collection method: clinical testing. Allele origin: germline.
Comment: This sequence change replaces serine, which is neutral and polar, with asparagine, which is neutral and polar, at codon 3811 of the ALMS1 protein (p.Ser3811Asn). This variant is present in population databases (rs775453044, gnomAD 0.006%). This variant has not been reported in the literature in individuals affected with ALMS1-related conditions. ClinVar contains an entry for this variant (Variation ID: 2198861). Experimental studies and prediction algorithms are not available or were not evaluated, and the functional significance of this variant is currently unknown. In summary, the available evidence is currently insufficient to determine the role of this variant in disease. Therefore, it has been classified as a Variant of Uncertain Significance.